The following is an entry in ClinVar:

ClinVar aggregate classification (germline): Uncertain significance (1 of 4 stars; one submission).

gnomAD v4.1: 5 of 1,614,176 alleles (0.00031%); highest among the groups gnomAD compares: Non-Finnish European, 0.00042%; no homozygotes.

Submission:

Labcorp Genetics (formerly Invitae), Labcorp
Classification: Uncertain significance. Last evaluated: 2022-08-09. Review status: criteria provided, single submitter. Criteria: Invitae Variant Classification Sherloc (09022015). Collection method: clinical testing. Allele origin: germline.
Comment: This sequence change replaces arginine, which is basic and polar, with leucine, which is neutral and non-polar, at codon 222 of the WNT9B protein (p.Arg222Leu). In summary, the available evidence is currently insufficient to determine the role of this variant in disease. Therefore, it has been classified as a Variant of Uncertain Significance. Algorithms developed to predict the effect of missense changes on protein structure and function are either unavailable or do not agree on the potential impact of this missense change (SIFT: "Not Available"; PolyPhen-2: "Probably Damaging"; Align-GVGD: "Not Available"). ClinVar contains an entry for this variant (Variation ID: 1362209). This variant has not been reported in the literature in individuals affected with WNT9B-related conditions. This variant is present in population databases (rs138314634, gnomAD 0.0009%).

NM_003396.3(WNT9B):c.665G>T (p.Arg222Leu)

Genes: LRRC37A2 (leucine rich repeat containing 37 member A2), WNT9B (Wnt family member 9B; plus strand). Cytogenetic location: 17q21.32.
Variant type: single nucleotide variant.
Coding change: c.665G>T on transcript NM_003396.3 (MANE Select); coding-DNA position 665, G replaced by T.
Protein change: p.Arg222Leu; replaces arginine 222 with leucine.
Molecular consequence: missense variant.
Genome position (GRCh38, 1-based): chr17:46,876,309, G>T. VCF-style: chr17-46876309-G-T. GRCh37 (hg19) VCF-style: chr17-44953675-G-T.
Other names: c.665G>T, p.Arg222Leu (NM_001320458.2); short protein forms R222L.
Identifiers: ClinVar variation 1362209 (VCV001362209.8), dbSNP rs138314634, ClinGen allele CA8620979.